The following is an entry in ClinVar:

ClinVar aggregate classification (germline): Conflicting classifications of pathogenicity. Review status: criteria provided, conflicting classifications (1 of 4 stars). 7 submissions from 7 submitters: Uncertain significance (2); Benign (3); Likely benign (2). Last evaluated 2026-01-31.

Conditions:
Autosomal recessive nonsyndromic hearing loss 8 (DFNB8). Also called: NEUROSENSORY NONSYNDROMIC RECESSIVE DEAFNESS 8; Deafness, autosomal recessive 10. Identifiers: Orphanet 90636, MedGen C1832827, MONDO:0010987, OMIM 601072.

Allele frequency attached by ClinVar (database versions not stated): gnomAD 0.00024; TOPMed 0.00046; 1000 Genomes Project 0.00140; 1000 Genomes Project 30x 0.00141.

Submissions (7):

Labcorp Genetics (formerly Invitae), Labcorp
Classification: Benign. Last evaluated: 2026-01-31. Review status: criteria provided, single submitter. Criteria: Invitae Variant Classification Sherloc (09022015). Collection method: clinical testing. Allele origin: germline.

CeGaT Center for Human Genetics Tuebingen
Classification: Likely benign. Last evaluated: 2025-12-01. Review status: criteria provided, single submitter. Criteria: CeGaT Center For Human Genetics Tuebingen Variant Classification Criteria Version 2. Collection method: clinical testing. Allele origin: germline. Affected: yes. Observed: 1 variant allele.
Comment: TMPRSS3: BS2

Blueprint Genetics
Classification: Likely benign. Last evaluated: 2024-06-28. Review status: criteria provided, single submitter. Criteria: ACMG Guidelines, 2015. Collection method: clinical testing. Allele origin: germline.

GeneDx
Classification: Benign. Last evaluated: 2021-03-30. Review status: criteria provided, single submitter. Criteria: GeneDx Variant Classification Process June 2021. Collection method: clinical testing. Allele origin: germline. Affected: yes.
Comment: This variant is associated with the following publications: (PMID: 23958653, 30245029, 25770132, 23967202)

Illumina Laboratory Services, Illumina
Classification: Uncertain significance for Autosomal recessive nonsyndromic hearing loss 8. Last evaluated: 2017-04-27. Review status: criteria provided, single submitter. Criteria: ICSL Variant Classification Criteria 13 December 2019. Collection method: clinical testing. Allele origin: germline.
Comment: This variant was observed as part of a predisposition screen in an ostensibly healthy population. A literature search was performed for the gene, cDNA change, and amino acid change (where applicable). Publications were found based on this search. However, the evidence from the literature, in combination with allele frequency data from public databases where available, was not sufficient to rule this variant in or out of causing disease. Therefore, this variant is classified as a variant of unknown significance.

Soonchunhyang University Bucheon Hospital, Soonchunhyang University Medical Center
Classification: Uncertain significance for Autosomal recessive nonsyndromic hearing loss 8. Last evaluated: 2016-03-18. Review status: criteria provided, single submitter. Criteria: ACMG Guidelines, 2015. Collection method: reference population. Allele origin: germline. Observed: 2 variant alleles.

Laboratory for Molecular Medicine, Mass General Brigham Personalized Medicine
Classification: Benign. Last evaluated: 2016-03-03. Review status: criteria provided, single submitter. Criteria: LMM Criteria. Collection method: clinical testing. Allele origin: germline. Observed: 2 variant alleles.
Comment: p.Phe71Ser in exon 4 of TMPRSS3: This variant is not expected to have clinical s ignificance because it has been identified in 1.0% (90/8612) of East Asian chrom osomes by the Exome Aggregation Consortium (ExAC ; dbSNP rs185332310).

Literature cited by the submitters: PubMed 23958653 (cited by Illumina Laboratory Services, Illumina); PubMed 23967202 (cited by Soonchunhyang University Bucheon Hospital, Soonchunhyang University Medical Center and Laboratory for Molecular Medicine, Mass General Brigham Personalized Medicine); PubMed 25770132 (cited by Laboratory for Molecular Medicine, Mass General Brigham Personalized Medicine).

NM_001256317.3(TMPRSS3):c.212T>C (p.Phe71Ser)

Gene: TMPRSS3 (transmembrane serine protease 3; minus strand). Cytogenetic location: 21q22.3.
Variant type: single nucleotide variant.
Coding change: c.212T>C on transcript NM_001256317.3 (MANE Select); coding-DNA position 212, T replaced by C.
Protein change: p.Phe71Ser; replaces phenylalanine 71 with serine.
Molecular consequence: missense variant. On other transcripts: 5 prime UTR variant (1).
Genome position (GRCh38, 1-based): chr21:42,389,039, A>G on the plus strand (T>C on the coding strand, the complement: TMPRSS3 is on the minus strand). VCF-style: chr21-42389039-A-G. GRCh37 (hg19) VCF-style: chr21-43809148-A-G.
Other names: c.212T>C, p.Phe71Ser (NM_024022.4, NM_032405.2); c.-170T>C (NM_032404.3); short protein forms F71S.
Identifiers: ClinVar variation 225495 (VCV000225495.25), dbSNP rs185332310, ClinGen allele CA10042708.